The following is an entry in ClinVar:

NM_030665.4(RAI1):c.238C>T (p.Arg80Ter)

Gene: RAI1 (retinoic acid induced 1; plus strand). Cytogenetic location: 17p11.2.
Variant type: single nucleotide variant.
Coding change: c.238C>T on transcript NM_030665.4 (MANE Select); coding-DNA position 238, C replaced by T.
Protein change: p.Arg80Ter; replaces arginine 80 with a stop codon.
Molecular consequence: nonsense.
Genome position (GRCh38, 1-based): chr17:17,793,186, C>T. VCF-style: chr17-17793186-C-T. GRCh37 (hg19) VCF-style: chr17-17696500-C-T.
Other names: short protein forms R80*.
Identifiers: ClinVar variation 1804465 (VCV001804465.2), dbSNP rs754000026, ClinGen allele CA8418082.

ClinVar aggregate classification (germline): Pathogenic. Review status: criteria provided, multiple submitters, no conflicts (2 of 4 stars). 2 submissions from 2 submitters: Pathogenic (2). Last evaluated 2025-10-22.

Allele frequency attached by ClinVar (database versions not stated): ExAC 0.00001.
gnomAD v4.1: 1 of 1,612,978 alleles (0.000062%); highest among the groups gnomAD compares: East Asian, 0.0022%; no homozygotes.

Submissions (2):

Labcorp Genetics (formerly Invitae), Labcorp
Classification: Pathogenic. Last evaluated: 2025-10-22. Review status: criteria provided, single submitter. Criteria: Invitae Variant Classification Sherloc (09022015). Collection method: clinical testing. Allele origin: germline.
Comment: This sequence change creates a premature translational stop signal (p.Arg80*) in the RAI1 gene. It is expected to result in an absent or disrupted protein product. Loss-of-function variants in RAI1 are known to be pathogenic (PMID: 21857958, 24715852). This variant is present in population databases (rs754000026, gnomAD 0.006%). This premature translational stop signal has been observed in individual(s) with Smith-Magenis syndrome (PMID: 24715852). ClinVar contains an entry for this variant (Variation ID: 1804465). For these reasons, this variant has been classified as Pathogenic.

GeneDx
Classification: Pathogenic. Last evaluated: 2022-06-17. Review status: criteria provided, single submitter. Criteria: GeneDx Variant Classification Process June 2021. Collection method: clinical testing. Allele origin: germline. Affected: yes.
Comment: Nonsense variant predicted to result in protein truncation or nonsense mediated decay in a gene for which loss of function is a known mechanism of disease; Reported in a child with developmental delay, behavioral problems, short extremities, and dysmorphic features in published literature (Dubourg et al., 2014).; This variant is associated with the following publications: (PMID: 25781356, 24715852)

Literature cited by the submitters: PubMed 21857958 (cited by Labcorp Genetics (formerly Invitae), Labcorp); PubMed 24715852 (cited by Labcorp Genetics (formerly Invitae), Labcorp).